The following is an entry in ClinVar:

ClinVar aggregate classification (germline): Uncertain significance (1 of 4 stars; one submission).

Allele frequency attached by ClinVar (database versions not stated): gnomAD exomes below 0.00001.
gnomAD v4.1: 2 of 1,614,150 alleles (0.00012%); highest among the groups gnomAD compares: South Asian, 0.0011%; no homozygotes.

Submission:

Labcorp Genetics (formerly Invitae), Labcorp
Classification: Uncertain significance. Last evaluated: 2022-03-01. Review status: criteria provided, single submitter. Criteria: Invitae Variant Classification Sherloc (09022015). Collection method: clinical testing. Allele origin: germline.
Comment: This sequence change replaces asparagine, which is neutral and polar, with aspartic acid, which is acidic and polar, at codon 384 of the MAK protein (p.Asn384Asp). This variant is present in population databases (no rsID available, gnomAD 0.003%). This variant has not been reported in the literature in individuals affected with MAK-related conditions. Experimental studies and prediction algorithms are not available or were not evaluated, and the functional significance of this variant is currently unknown. In summary, the available evidence is currently insufficient to determine the role of this variant in disease. Therefore, it has been classified as a Variant of Uncertain Significance.

NM_001242957.3(MAK):c.1150A>G (p.Asn384Asp)

Gene: MAK (male germ cell associated kinase; minus strand). Cytogenetic location: 6p24.2.
Variant type: single nucleotide variant.
Coding change: c.1150A>G on transcript NM_001242957.3 (MANE Select); coding-DNA position 1150, A replaced by G.
Protein change: p.Asn384Asp; replaces asparagine 384 with aspartic acid.
Molecular consequence: missense variant. On other transcripts: non-coding transcript variant (2).
Genome position (GRCh38, 1-based): chr6:10,791,841, T>C on the plus strand (A>G on the coding strand, the complement: MAK is on the minus strand). VCF-style: chr6-10791841-T-C. GRCh37 (hg19) VCF-style: chr6-10792074-T-C.
Other names: c.1150A>G, p.Asn384Asp (NM_001242385.2, NM_005906.6); c.1048A>G, p.Asn350Asp (NM_001377262.1); short protein forms N384D, N350D.
Identifiers: ClinVar variation 2105065 (VCV002105065.1), dbSNP rs1321506339, ClinGen allele CA362718914.